The following is an entry in ClinVar:

NM_000551.4(VHL):c.540C>G (p.Ile180Met)

Genes: VHL (von Hippel-Lindau tumor suppressor; plus strand), LOC107303340 (3p25 von Hippel-Lindau tumor suppressor, E3 ubiquitin protein ligase Alu-mediated recombination region; plus strand). Cytogenetic location: 3p25.3.
Variant type: single nucleotide variant.
Coding change: c.540C>G on transcript NM_000551.4 (MANE Select); coding-DNA position 540, C replaced by G.
Protein change: p.Ile180Met; replaces isoleucine 180 with methionine.
Molecular consequence: missense variant. On other transcripts: 3 prime UTR variant (1).
Genome position (GRCh38, 1-based): chr3:10,149,863, C>G. VCF-style: chr3-10149863-C-G. GRCh37 (hg19) VCF-style: chr3-10191547-C-G.
Other names: c.*94C>G (NM_001354723.2); c.417C>G, p.Ile139Met (NM_198156.3); c.540C>G (NM_000551.3); short protein forms I180M, I139M.
Identifiers: ClinVar variation 1368387 (VCV001368387.8), dbSNP rs374927292, ClinGen allele CA351756286.
Genomic context (GRCh38, chr3:10,149,863, plus strand): 5'-GCGATGCCTCCAGGTTGTCCGGAGCCTAGTCAAGCCTGAGAATTACAGGAGACTGGACAT[C>G]GTCAGGTCGCTCTACGAAGATCTGGAAGACCACCCAAATGTGCAGAAAGACCTGGAGCGG-3'
Protein context (NP_000542.1, residues 170-190): VKPENYRRLD[Ile180Met]VRSLYEDLED

ClinVar aggregate classification (germline): Uncertain significance. Review status: criteria provided, multiple submitters, no conflicts (2 of 4 stars). 3 submissions from 3 submitters: Uncertain significance (3). Last evaluated 2024-02-29.

Conditions:
Chuvash polycythemia. Also called: POLYCYTHEMIA, VHL-DEPENDENT. Identifiers: Orphanet 238557, MedGen C1837915, MONDO:0009892, OMIM 263400.
Von Hippel-Lindau syndrome (VHLS). Also called: Von Hippel-Lindau; von Hippel–Lindau syndrome; VHL syndrome. Identifiers: Orphanet 892, MedGen C0019562, MONDO:0008667, OMIM 193300. Disease mechanism: loss of function.
Hereditary cancer-predisposing syndrome. Also called: Hereditary neoplastic syndrome; Hereditary Cancer Syndrome; Neoplastic Syndromes, Hereditary; Tumor predisposition. Identifiers: Orphanet 140162, MedGen C0027672, MeSH D009386, MONDO:0015356.

gnomAD v4.1: 2 of 1,614,168 alleles (0.00012%); highest among the groups gnomAD compares: Non-Finnish European, 0.00017%; no homozygotes.

Submissions (3):

Ambry Genetics
Classification: Uncertain significance for Hereditary cancer-predisposing syndrome. Last evaluated: 2024-02-29. Review status: criteria provided, single submitter. Criteria: Ambry Variant Classification Scheme 2023. Collection method: clinical testing. Allele origin: germline.
Comment: The p.I180M variant (also known as c.540C>G), located in coding exon 3 of the VHL gene, results from a C to G substitution at nucleotide position 540. The isoleucine at codon 180 is replaced by methionine, an amino acid with highly similar properties. This amino acid position is highly conserved in available vertebrate species. In addition, this alteration is predicted to be deleterious by in silico analysis. Based on the available evidence, the clinical significance of this alteration remains unclear.

All of Us Research Program, National Institutes of Health
Classification: Uncertain significance for Von Hippel-Lindau syndrome. Last evaluated: 2024-01-11. Review status: criteria provided, single submitter. Criteria: ACMG Guidelines, 2015. Collection method: clinical testing. Allele origin: germline. Inheritance: Autosomal dominant inheritance. Observed: 1 variant allele, 1 heterozygote.
Comment: This study involves interpretation of variants in research participants for the purpose of population health screening. Participant phenotype was not available at the time of variant classification. Additional details can be found in publication PMID: 35346344, PMCID: PMC8962531

Labcorp Genetics (formerly Invitae), Labcorp
Classification: Uncertain significance for Von Hippel-Lindau syndrome; Chuvash polycythemia. Last evaluated: 2022-10-24. Review status: criteria provided, single submitter. Criteria: Invitae Variant Classification Sherloc (09022015). Collection method: clinical testing. Allele origin: germline.
Comment: This variant has not been reported in the literature in individuals affected with VHL-related conditions. In summary, the available evidence is currently insufficient to determine the role of this variant in disease. Therefore, it has been classified as a Variant of Uncertain Significance. Advanced modeling of protein sequence and biophysical properties (such as structural, functional, and spatial information, amino acid conservation, physicochemical variation, residue mobility, and thermodynamic stability) performed at Invitae indicates that this missense variant is expected to disrupt VHL protein function. ClinVar contains an entry for this variant (Variation ID: 1368387). This variant is not present in population databases (gnomAD no frequency). This sequence change replaces isoleucine, which is neutral and non-polar, with methionine, which is neutral and non-polar, at codon 180 of the VHL protein (p.Ile180Met).